The following is an entry in ClinVar:

NM_001378615.1(CC2D2A):c.1432C>T (p.Gln478Ter)

Genes: CC2D2A (coiled-coil and C2 domain containing 2A; plus strand), FBXL5 (F-box and leucine rich repeat protein 5; minus strand). Cytogenetic location: 4p15.32.
Variant type: single nucleotide variant.
Coding change: c.1432C>T on transcript NM_001378615.1 (MANE Select); coding-DNA position 1432, C replaced by T.
Protein change: p.Gln478Ter; replaces glutamine 478 with a stop codon.
Molecular consequence: nonsense.
Genome position (GRCh38, 1-based): chr4:15,528,692, C>T. VCF-style: chr4-15528692-C-T. GRCh37 (hg19) VCF-style: chr4-15530315-C-T.
Other names: c.1432C>T, p.Gln478Ter (NM_001080522.2); c.1285C>T, p.Gln429Ter (NM_001378617.1); short protein forms Q429*, Q478*.
Identifiers: ClinVar variation 5014803 (VCV005014803.1).
Genomic context (GRCh38, chr4:15,528,692, plus strand): 5'-AGAAATGCTGTTCAGACTGGCCTTGATCCAGAAAAACCTCATCAGTCTCTCGATACCATC[C>T]AAAAAACCATCAATGAGTATAAATCTGAAATTCGGTGAGTAAAGTTTGTTAAGTGTAACT-3'

ClinVar aggregate classification (germline): Pathogenic (1 of 4 stars; one submission).

Conditions:
Joubert syndrome and related disorders. Identifiers: Orphanet 140874, MedGen C5679612, MONDO:0015369.

Submission:

Myriad Genetics, Inc.
Classification: Pathogenic for Joubert syndrome and related disorders. Last evaluated: 2025-08-01. Review status: criteria provided, single submitter. Criteria: Myriad Autosomal Dominant, Autosomal Recessive and X-Linked Classification Criteria (2023). Collection method: clinical testing. Allele origin: unknown.
Comment: NM_001080522.2(CC2D2A):c.1432C>T(Q478*) is expected to be pathogenic in the context of CC2D2A-related disorders. This variant is predicted to lead to an abnormal or absent protein product due to the creation of a premature termination codon in CC2D2A, a gene where loss-of-function variants are known to be pathogenic. Please note: this variant was assessed in the context of healthy population screening.